The following is an entry in ClinVar:

ClinVar aggregate classification (germline): Likely pathogenic (1 of 4 stars; one submission).

Submission:

Labcorp Genetics (formerly Invitae), Labcorp
Classification: Likely pathogenic. Last evaluated: 2024-01-18. Review status: criteria provided, single submitter. Criteria: Invitae Variant Classification Sherloc (09022015). Collection method: clinical testing. Allele origin: germline.
Comment: This sequence change affects an acceptor splice site in intron 41 of the COL17A1 gene. It is expected to disrupt RNA splicing. Variants that disrupt the donor or acceptor splice site typically lead to a loss of protein function (PMID: 16199547), and loss-of-function variants in COL17A1 are known to be pathogenic (PMID: 16473856, 17344927, 20301304, 21357940, 24319098). This variant is not present in population databases (gnomAD no frequency). This variant has not been reported in the literature in individuals affected with COL17A1-related conditions. Algorithms developed to predict the effect of sequence changes on RNA splicing suggest that this variant may disrupt the consensus splice site. In summary, the currently available evidence indicates that the variant is pathogenic, but additional data are needed to prove that conclusively. Therefore, this variant has been classified as Likely Pathogenic.

Literature cited by the submitters: PubMed 16199547; PubMed 16473856; PubMed 17344927; PubMed 20301304; PubMed 21357940; PubMed 24319098.

NM_000494.4(COL17A1):c.2789-1G>C

Gene: COL17A1 (collagen type XVII alpha 1 chain; minus strand). Cytogenetic location: 10q25.1.
Variant type: single nucleotide variant.
Coding change: c.2789-1G>C on transcript NM_000494.4 (MANE Select); the canonical splice acceptor site of the intron before coding-DNA position 2789, G replaced by C.
Molecular consequence: splice acceptor variant.
Genome position (GRCh38, 1-based): chr10:104,039,641, C>G on the plus strand (G>C on the coding strand, the complement: COL17A1 is on the minus strand). VCF-style: chr10-104039641-C-G. GRCh37 (hg19) VCF-style: chr10-105799399-C-G.
Identifiers: ClinVar variation 3004923 (VCV003004923.3), dbSNP rs2493296322, ClinGen allele CA378067975.
Genomic context (GRCh38, chr10:104,039,641, plus strand): 5'-CAGAATGGGGCGGGGTTCAGCCCTTACCTGAGGTTGAGAAACCTGGGAGGCCTTGCTCGC[C>G]TGAGGAACACACCAAGGGAGGGACAGTCAGCCTCACTTTTCTCACCCACTAACAGCCCTG-3'